The following is an entry in ClinVar:

ClinVar aggregate classification (germline): Pathogenic (1 of 4 stars; one submission).

Conditions:
Fanconi anemia (FA). Also called: Fanconi's anemia. Identifiers: Orphanet 84, MedGen C0015625, MeSH D005199, MONDO:0019391.

Submission:

Labcorp Genetics (formerly Invitae), Labcorp
Classification: Pathogenic for Fanconi anemia. Last evaluated: 2024-04-25. Review status: criteria provided, single submitter. Criteria: Invitae Variant Classification Sherloc (09022015). Collection method: clinical testing. Allele origin: germline.
Comment: This sequence change creates a premature translational stop signal (p.Ser905*) in the FANCI gene. It is expected to result in an absent or disrupted protein product. Loss-of-function variants in FANCI are known to be pathogenic (PMID: 17452773, 17460694). This variant is not present in population databases (gnomAD no frequency). This variant has not been reported in the literature in individuals affected with FANCI-related conditions. For these reasons, this variant has been classified as Pathogenic.

Literature cited by the submitters: PubMed 17452773; PubMed 17460694.

NM_001113378.2(FANCI):c.2714C>G (p.Ser905Ter)

Gene: FANCI (FA complementation group I; plus strand). Cytogenetic location: 15q26.1.
Variant type: single nucleotide variant.
Coding change: c.2714C>G on transcript NM_001113378.2 (MANE Select); coding-DNA position 2714, C replaced by G.
Protein change: p.Ser905Ter; replaces serine 905 with a stop codon.
Molecular consequence: nonsense.
Genome position (GRCh38, 1-based): chr15:89,299,877, C>G. VCF-style: chr15-89299877-C-G. GRCh37 (hg19) VCF-style: chr15-89843108-C-G.
Other names: c.2435C>G, p.Ser812Ter (NM_001376910.1); c.2714C>G, p.Ser905Ter (NM_001376911.1); c.2534C>G, p.Ser845Ter (NM_018193.3); short protein forms S812*, S845*, S905*.
Identifiers: ClinVar variation 3693527 (VCV003693527.2).